The following is an entry in ClinVar:

ClinVar aggregate classification (germline): Conflicting classifications of pathogenicity. Review status: criteria provided, conflicting classifications (1 of 4 stars). 4 submissions from 4 submitters: Uncertain significance (2); Likely benign (1). 1 of the submissions does not count toward it. Last evaluated 2025-09-26.

Conditions:
Hereditary cancer-predisposing syndrome. Also called: Tumor predisposition; Hereditary neoplastic syndrome; Hereditary Cancer Syndrome; Neoplastic Syndromes, Hereditary. Identifiers: Orphanet 140162, MedGen C0027672, MeSH D009386, MONDO:0015356.
Hereditary breast ovarian cancer syndrome. Also called: Hereditary breast and/or ovarian cancer syndrome; Breast and ovarian cancer; Hereditary breast and ovarian cancer syndrome; Hereditary breast and ovarian cancer; Hereditary breast and ovarian cancer syndrome (HBOC); BRCA1- and BRCA2-Associated Hereditary Breast and Ovarian Cancer. Identifiers: Orphanet 145, MedGen C0677776, MeSH D061325, MONDO:0003582. Disease mechanism: loss of function.
Breast-ovarian cancer, familial, susceptibility to, 1 (BROVCA1). Also called: BRCA1 Hereditary Breast and Ovarian Cancer; OVARIAN CANCER, SUSCEPTIBILITY TO. Identifiers: Orphanet 145, MedGen C2676676, MONDO:0011450, OMIM 604370. Disease mechanism: loss of function.

Submissions (4):

Ambry Genetics
Classification: Uncertain significance for Hereditary cancer-predisposing syndrome. Last evaluated: 2025-09-26. Review status: criteria provided, single submitter. Criteria: Ambry Variant Classification Scheme 2023. Collection method: clinical testing. Allele origin: germline.
Comment: The p.C994S variant (also known as c.2980T>A), located in coding exon 9 of the BRCA1 gene, results from a T to A substitution at nucleotide position 2980. The cysteine at codon 994 is replaced by serine, an amino acid with dissimilar properties. This amino acid position is not well conserved in available vertebrate species. In addition, this alteration is predicted to be tolerated by in silico analysis. Since supporting evidence is limited at this time, the clinical significance of this alteration remains unclear.

University of Washington Department of Laboratory Medicine, University of Washington
Classification: Likely benign for Hereditary cancer-predisposing syndrome. Last evaluated: 2023-03-23. Review status: criteria provided, single submitter. Criteria: Dines et al. (Genet Med. 2020). Collection method: curation. Allele origin: germline.
Comment: Missense variant in a coldspot region where missense variants are very unlikely to be pathogenic (PMID:31911673).

BRCA1 coldspot (exon 11 using historical exon numbering). Reclassification based on statistical prior probability

Labcorp Genetics (formerly Invitae), Labcorp
Classification: Uncertain significance for Hereditary breast ovarian cancer syndrome. Last evaluated: 2022-06-29. Review status: criteria provided, single submitter. Criteria: Invitae Variant Classification Sherloc (09022015). Collection method: clinical testing. Allele origin: germline.
Comment: ClinVar contains an entry for this variant (Variation ID: 156190). This variant has not been reported in the literature in individuals affected with BRCA1-related conditions. This variant is not present in population databases (gnomAD no frequency). This sequence change replaces cysteine, which is neutral and slightly polar, with serine, which is neutral and polar, at codon 994 of the BRCA1 protein (p.Cys994Ser). Advanced modeling of protein sequence and biophysical properties (such as structural, functional, and spatial information, amino acid conservation, physicochemical variation, residue mobility, and thermodynamic stability) performed at Invitae indicates that this missense variant is not expected to disrupt BRCA1 protein function. In summary, the available evidence is currently insufficient to determine the role of this variant in disease. Therefore, it has been classified as a Variant of Uncertain Significance.

Sharing Clinical Reports Project (SCRP)
Classification: Uncertain significance for Breast-ovarian cancer, familial 1. Last evaluated: 2011-02-25. Review status: no assertion criteria provided. Collection method: clinical testing. Allele origin: germline. Not counted in ClinVar's aggregate classification.

NM_007294.4(BRCA1):c.2980T>A (p.Cys994Ser)

Gene: BRCA1 (BRCA1 DNA repair associated; minus strand). Cytogenetic location: 17q21.31.
Variant type: single nucleotide variant.
Coding change: c.2980T>A on transcript NM_007294.4 (MANE Select); coding-DNA position 2980, T replaced by A.
Protein change: p.Cys994Ser; replaces cysteine 994 with serine.
Molecular consequence: missense variant. On other transcripts: intron variant (137).
Genome position (GRCh38, 1-based): chr17:43,092,551, A>T on the plus strand (T>A on the coding strand, the complement: BRCA1 is on the minus strand). VCF-style: chr17-43092551-A-T. GRCh37 (hg19) VCF-style: chr17-41244568-A-T.
Other names: 3099T>A; c.2767T>A, p.Cys923Ser (NM_001407571.1, NM_001407896.1, NM_001407897.1 and 9 more transcripts); c.2980T>A, p.Cys994Ser (NM_001407581.1, NM_001407582.1, NM_001407583.1 and 30 more transcripts); c.2977T>A, p.Cys993Ser (NM_001407587.1, NM_001407590.1, NM_001407591.1 and 22 more transcripts); c.2971T>A, p.Cys991Ser (NM_001407646.1, NM_001407647.1); c.2857T>A, p.Cys953Ser (NM_001407648.1, NM_001407666.1, NM_001407667.1 and 19 more transcripts); c.2854T>A, p.Cys952Ser (NM_001407649.1, NM_001407670.1, NM_001407671.1 and 11 more transcripts); c.2902T>A, p.Cys968Ser (NM_001407653.1, NM_001407654.1, NM_001407655.1 and 4 more transcripts); and 42 more; short protein forms C994S, C947S, C698S, C867S, C923S, C968S, C993S, C882S.
Identifiers: ClinVar variation 156190 (VCV000156190.18), dbSNP rs144853230, ClinGen allele CA001937.